The following is an entry in ClinVar:

ClinVar aggregate classification (germline): Pathogenic. Review status: criteria provided, multiple submitters, no conflicts (2 of 4 stars). 2 submissions from 2 submitters: Pathogenic (2). Last evaluated 2023-05-02.

Conditions:
Familial adenomatous polyposis 1 (FAP1). Also called: POLYPOSIS, ADENOMATOUS INTESTINAL; FAMILIAL ADENOMATOUS POLYPOSIS 1, ATTENUATED. Identifiers: MedGen C2713442, MONDO:0021056, OMIM 175100. Disease mechanism: loss of function.

Submissions (2):

Myriad Genetics, Inc.
Classification: Pathogenic for Familial adenomatous polyposis 1. Last evaluated: 2023-05-02. Review status: criteria provided, single submitter. Criteria: Myriad Autosomal Dominant, Autosomal Recessive and X-Linked Classification Criteria (2023). Collection method: clinical testing. Allele origin: unknown.
Comment: This variant is considered pathogenic. This variant creates a frameshift predicted to result in premature protein truncation.

Labcorp Genetics (formerly Invitae), Labcorp
Classification: Pathogenic for Familial adenomatous polyposis 1. Last evaluated: 2022-11-01. Review status: criteria provided, single submitter. Criteria: Invitae Variant Classification Sherloc (09022015). Collection method: clinical testing. Allele origin: germline.
Comment: For these reasons, this variant has been classified as Pathogenic. ClinVar contains an entry for this variant (Variation ID: 469715). This variant has not been reported in the literature in individuals affected with APC-related conditions. This variant is not present in population databases (gnomAD no frequency). This sequence change creates a premature translational stop signal (p.Ala545Glyfs*15) in the APC gene. It is expected to result in an absent or disrupted protein product. Loss-of-function variants in APC are known to be pathogenic (PMID: 17963004, 20685668).

Literature cited by the submitters: PubMed 17963004 (cited by Labcorp Genetics (formerly Invitae), Labcorp); PubMed 20685668 (cited by Labcorp Genetics (formerly Invitae), Labcorp).

NM_000038.6(APC):c.1633dup (p.Ala545fs)

Gene: APC (APC regulator of Wnt signaling pathway; plus strand). Cytogenetic location: 5q22.2.
Variant type: Duplication.
Coding change: c.1633dup on transcript NM_000038.6 (MANE Select); coding-DNA position 1633, one base duplicated (G; older notation c.1633dupG).
Protein change: p.Ala545fs; shifts the reading frame from alanine 545.
Molecular consequence: frameshift variant.
Genome position (GRCh38, 1-based): chr5:112,828,862, G duplicated. VCF-style (leftmost placement, unchanged base first): chr5-112828861-T-TG. GRCh37 (hg19) VCF-style: chr5-112164558-T-TG.
Other names: c.1633dup, p.Ala545fs (NM_001127510.3, NM_001354895.2); c.1579dup, p.Ala527fs (NM_001127511.3); c.1687dup, p.Ala563fs (NM_001354896.2); c.1663dup, p.Ala555fs (NM_001354897.2); c.1558dup, p.Ala520fs (NM_001354898.2); c.1549dup, p.Ala517fs (NM_001354899.2); c.1510dup, p.Ala504fs (NM_001354900.2); c.1456dup, p.Ala486fs (NM_001354901.2); and 6 more; short protein forms A262fs, A419fs, A444fs, A520fs, A555fs, A563fs, A545fs, A385fs.
Identifiers: ClinVar variation 469715 (VCV000469715.9), dbSNP rs1554082082, ClinGen allele CA658655949.